The following is an entry in ClinVar:

ClinVar aggregate classification (germline): Uncertain significance (1 of 4 stars; one submission).

Submission:

Labcorp Genetics (formerly Invitae), Labcorp
Classification: Uncertain significance. Last evaluated: 2022-09-03. Review status: criteria provided, single submitter. Criteria: Invitae Variant Classification Sherloc (09022015). Collection method: clinical testing. Allele origin: germline.
Comment: This sequence change replaces threonine, which is neutral and polar, with serine, which is neutral and polar, at codon 1135 of the OBSL1 protein (p.Thr1135Ser). This variant is not present in population databases (gnomAD no frequency). This variant has not been reported in the literature in individuals affected with OBSL1-related conditions. Algorithms developed to predict the effect of missense changes on protein structure and function output the following: SIFT: "Tolerated"; PolyPhen-2: "Benign"; Align-GVGD: "Class C0". The serine amino acid residue is found in multiple mammalian species, which suggests that this missense change does not adversely affect protein function. In summary, the available evidence is currently insufficient to determine the role of this variant in disease. Therefore, it has been classified as a Variant of Uncertain Significance.

NM_015311.3(OBSL1):c.3403A>T (p.Thr1135Ser)

Gene: OBSL1 (obscurin like cytoskeletal adaptor 1; minus strand). Cytogenetic location: 2q35.
Variant type: single nucleotide variant.
Coding change: c.3403A>T on transcript NM_015311.3 (MANE Select); coding-DNA position 3403, A replaced by T.
Protein change: p.Thr1135Ser; replaces threonine 1135 with serine.
Molecular consequence: missense variant.
Genome position (GRCh38, 1-based): chr2:219,558,283, T>A on the plus strand (A>T on the coding strand, the complement: OBSL1 is on the minus strand). VCF-style: chr2-219558283-T-A. GRCh37 (hg19) VCF-style: chr2-220423005-T-A.
Other names: c.3403A>T, p.Thr1135Ser (NM_001173431.2); short protein forms T1135S.
Identifiers: ClinVar variation 1718755 (VCV001718755.3), dbSNP rs2546237271, ClinGen allele CA350737346.